The following is an entry in ClinVar:

ClinVar aggregate classification (germline): Likely benign (1 of 4 stars; one submission).

Allele frequency attached by ClinVar (database versions not stated): gnomAD exomes below 0.00001.
gnomAD v4.1: 1 of 1,551,992 alleles (0.000064%); highest among the groups gnomAD compares: Non-Finnish European, 0.000087%; no homozygotes.

Submission:

GeneDx
Classification: Likely benign. Last evaluated: 2017-05-01. Review status: criteria provided, single submitter. Criteria: GeneDx Variant Classification (06012015). Collection method: clinical testing. Allele origin: germline. Affected: yes.
Comment: This variant is considered likely benign or benign based on one or more of the following criteria: it is a conservative change, it occurs at a poorly conserved position in the protein, it is predicted to be benign by multiple in silico algorithms, and/or has population frequency not consistent with disease.

NM_001267550.2(TTN):c.32419G>A (p.Val10807Ile)

Gene: TTN (titin; minus strand). Cytogenetic location: 2q31.2.
Variant type: single nucleotide variant.
Coding change: c.32419G>A on transcript NM_001267550.2 (MANE Select); coding-DNA position 32419, G replaced by A.
Protein change: p.Val10807Ile; replaces valine 10807 with isoleucine.
Molecular consequence: missense variant. On other transcripts: intron variant (3).
Genome position (GRCh38, 1-based): chr2:178,685,304, C>T on the plus strand (G>A on the coding strand, the complement: TTN is on the minus strand). VCF-style: chr2-178685304-C-T. GRCh37 (hg19) VCF-style: chr2-179550031-C-T.
Other names: c.31468G>A, p.Val10490Ile (NM_001256850.1); c.28687G>A, p.Val9563Ile (NM_133378.4); c.13283-42987G>A (NM_003319.4); c.13859-42987G>A (NM_133437.4); c.13658-42987G>A (NM_133432.3); short protein forms V10490I, V10807I, V9563I.
Identifiers: ClinVar variation 509372 (VCV000509372.1), dbSNP rs1553846469, ClinGen allele CA349548076.